The following is an entry in ClinVar:

ClinVar aggregate classification (germline): Conflicting classifications of pathogenicity. Review status: criteria provided, conflicting classifications (1 of 4 stars). 6 submissions from 6 submitters: Uncertain significance (3); Benign (1); Likely benign (2). Last evaluated 2026-01-22.

Conditions:
MOCS2-related disorder. Also called: MOCS2-related condition.
Sulfite oxidase deficiency due to molybdenum cofactor deficiency type B1 (MOCODB1). Also called: MOLYBDENUM COFACTOR DEFICIENCY, TYPE B1; Molybdenum cofactor deficiency B; Molybdenum cofactor deficiency, complementation group B; Sulfite oxidase deficiency due to molybdenum cofactor deficiency type B. Identifiers: Orphanet 308393, Orphanet 833, MedGen C6065887, MONDO:0009644, OMIM 252160.

Allele frequency attached by ClinVar (database versions not stated): gnomAD 0.00049 and 0.00057; TOPMed 0.00052; 1000 Genomes Project 30x 0.00062; ESP Exome Variant Server 0.00062; 1000 Genomes Project 0.00080; gnomAD exomes 0.00082; ExAC 0.00084.
gnomAD v4.1: 1,661 of 1,612,800 alleles (0.1%); highest among the groups gnomAD compares: South Asian, 0.31%; 11 homozygotes.

Submissions (8):

Labcorp Genetics (formerly Invitae), Labcorp
Classification: Benign. Last evaluated: 2026-01-22. Review status: criteria provided, single submitter. Criteria: Invitae Variant Classification Sherloc (09022015). Collection method: clinical testing. Allele origin: germline.

PreventionGenetics, part of Exact Sciences
Classification: Likely benign for MOCS2-related condition. Last evaluated: 2025-06-18. Review status: criteria provided, single submitter. Criteria: ACMG Guidelines, 2015. Collection method: clinical testing. Allele origin: germline.
Comment: This variant is classified as likely benign based on ACMG/AMP sequence variant interpretation guidelines (Richards et al. 2015 PMID: 25741868, with internal and published modifications).

Blueprint Genetics
Classification: Likely benign. Last evaluated: 2024-11-25. Review status: criteria provided, single submitter. Criteria: ACMG Guidelines, 2015. Collection method: clinical testing. Allele origin: germline.

ARUP Laboratories, Molecular Genetics and Genomics, ARUP Laboratories
Classification: Uncertain significance for Sulfite oxidase deficiency due to molybdenum cofactor deficiency type B1. Last evaluated: 2024-09-25. Review status: criteria provided, single submitter. Criteria: ARUP Molecular Germline Variant Investigation Process 2024. Collection method: clinical testing. Allele origin: germline.
Comment: The MOCS2 c.296C>T; p.Ala99Val variant (rs2233217), also known as c.*216C>T for NM_176806.4, to our knowledge, is not reported in the medical literature but is reported in ClinVar (Variation ID: 353876). This variant is found in the general population with an overall allele frequency of 0.077% (218/282578 alleles, including 2 homozygotes) in the Genome Aggregation Database (v2.1.1). Computational analyses predict that this variant is deleterious (REVEL: 0.701). Due to limited information, the clinical significance of this variant is uncertain at this time.

CeGaT Center for Human Genetics Tuebingen
Classification: Uncertain significance. Last evaluated: 2018-12-01. Review status: criteria provided, single submitter. Criteria: CeGaT Center For Human Genetics Tuebingen Variant Classification Criteria Version 2. Collection method: clinical testing. Allele origin: germline. Affected: yes. Observed: 1 variant allele.

Illumina Laboratory Services, Illumina
Classification: Uncertain significance for Sulfite oxidase deficiency due to molybdenum cofactor deficiency type B1. Last evaluated: 2018-01-12. Review status: criteria provided, single submitter. Criteria: ICSL Variant Classification Criteria 13 December 2019. Collection method: clinical testing. Allele origin: germline.

Dr. Peter K. Rogan Lab, Western University
No classification provided (evidence only). Condition: Malignant tumor of urinary bladder. Review status: no classification provided. Collection method: in vitro. Allele origin: not applicable. Functional consequence: skipped exon. Not counted in ClinVar's aggregate classification.

Dr. Peter K. Rogan Lab, Western University
No classification provided (evidence only). Condition: Malignant tumor of urinary bladder. Review status: no classification provided. Collection method: in vitro. Allele origin: not applicable. Functional consequence: skipped exon. Not counted in ClinVar's aggregate classification.

NM_004531.5(MOCS2):c.296C>T (p.Ala99Val)

Gene: MOCS2 (molybdenum cofactor synthesis 2; minus strand). Cytogenetic location: 5q11.2.
Variant type: single nucleotide variant.
Coding change: c.296C>T on transcript NM_004531.5 (MANE Select); coding-DNA position 296, C replaced by T.
Protein change: p.Ala99Val; replaces alanine 99 with valine.
Molecular consequence: missense variant. On other transcripts: 3 prime UTR variant (1).
Genome position (GRCh38, 1-based): chr5:53,101,440, G>A on the plus strand (C>T on the coding strand, the complement: MOCS2 is on the minus strand). VCF-style: chr5-53101440-G-A. GRCh37 (hg19) VCF-style: chr5-52397270-G-A.
Other names: c.296C>T (NM_004531.4); c.*216C>T (NM_176806.4); short protein forms A99V.
Identifiers: ClinVar variation 353876 (VCV000353876.59), dbSNP rs2233217, ClinGen allele CA3263654.
Genomic context (GRCh38, chr5:53,101,440, plus strand): 5'-ATGTGTTTGACTGGCCATTTCTGCCTAATGTCACTACAAATCTTTCTGACTTCATTTTCC[G>A]CCATGGGTAGATATGCTTCATATTCTAAGCTAATGACTTTTTTCCCTTCAAAGTTATTTC-3'
Protein context (NP_004522.1, residues 89-109): SLEYEAYLPM[Ala99Val]ENEVRKICSD